The following is an entry in ClinVar:

ClinVar aggregate classification (germline): Likely benign (1 of 4 stars; one submission).

Conditions:
Catecholaminergic polymorphic ventricular tachycardia (CVPT). Also called: Catecholamine-induced polymorphic ventricular tachycardia. Identifiers: Orphanet 3286, MedGen C5574922, MONDO:0017990.

Submission:

All of Us Research Program, National Institutes of Health
Classification: Likely benign for Catecholaminergic polymorphic ventricular tachycardia. Last evaluated: 2023-03-23. Review status: criteria provided, single submitter. Criteria: ACMG Guidelines, 2015. Collection method: clinical testing. Allele origin: germline. Inheritance: Autosomal dominant inheritance. Observed: 1 variant allele, 1 heterozygote.
Comment: This study involves interpretation of variants in research participants for the purpose of population health screening. Participant phenotype was not available at the time of variant classification. Additional details can be found in publication PMID: 35346344, PMCID: PMC8962531

NM_001035.3(RYR2):c.12426C>G (p.Ala4142=)

Genes: RYR2 (ryanodine receptor 2; plus strand), LOC126806068 (BRD4-independent group 4 enhancer GRCh37_chr1:237947411-237948610; plus strand). Cytogenetic location: 1q43.
Variant type: single nucleotide variant.
Coding change: c.12426C>G on transcript NM_001035.3 (MANE Select); coding-DNA position 12426, C replaced by G.
Protein change: p.Ala4142=; no amino-acid change (alanine 4142 retained).
Molecular consequence: synonymous variant.
Genome position (GRCh38, 1-based): chr1:237,784,138, C>G. VCF-style: chr1-237784138-C-G. GRCh37 (hg19) VCF-style: chr1-237947438-C-G.
Identifiers: ClinVar variation 3069972 (VCV003069972.1), dbSNP rs1573934435, ClinGen allele CA424032173.
Genomic context (GRCh38, chr1:237,784,138, plus strand): 5'-AGAGAGCGTCCTGAATTATTTCCAGCCCTTTCTGGGCCGCATCGAAATCATGGGAAGCGC[C>G]AAACGCATCGAGAGGGTCTATTTTGAAATCAGTGAGTCCAGCCGAACCCAGTGGGAGAAG-3'
Protein context (NP_001026.2, residues 4132-4152): FLGRIEIMGS[Ala4142=]KRIERVYFEI